The following is an entry in ClinVar:

ClinVar aggregate classification (germline): Uncertain significance. Review status: criteria provided, multiple submitters, no conflicts (2 of 4 stars). 3 submissions from 3 submitters: Uncertain significance (3). Last evaluated 2024-12-18.

Conditions:
Cerebral arteriopathy, autosomal recessive, with subcortical infarcts and leukoencephalopathy 2. Also called: CEREBROVASCULAR DISEASE WITH THIN SKIN, ALOPECIA, AND DISC DISEASE; CARASIL syndrome; MAEDA SYNDROME; SUBCORTICAL VASCULAR ENCEPHALOPATHY, PROGRESSIVE; Cerebral autosomal recessive arteriopathy with subcortical infarcts and leukoencephalopathy. Identifiers: Orphanet 199354, MedGen C6022615, MONDO:0010829, OMIM 600142.

Allele frequency attached by ClinVar (database versions not stated): gnomAD 0.00001; gnomAD exomes 0.00002 and 0.00003; ExAC 0.00003.
gnomAD v4.1: 36 of 1,614,032 alleles (0.0022%); highest among the groups gnomAD compares: Middle Eastern, 0.033%; no homozygotes.

Submissions (3):

Genomic Medicine Center of Excellence, King Faisal Specialist Hospital and Research Centre
Classification: Uncertain significance for Cerebral arteriopathy, autosomal recessive, with subcortical infarcts and leukoencephalopathy 2. Last evaluated: 2024-12-18. Review status: criteria provided, single submitter. Criteria: ACMG Guidelines, 2015. Collection method: clinical testing. Allele origin: germline.

Blueprint Genetics
Classification: Uncertain significance. Last evaluated: 2024-11-13. Review status: criteria provided, single submitter. Criteria: ACMG Guidelines, 2015. Collection method: clinical testing. Allele origin: germline.

Labcorp Genetics (formerly Invitae), Labcorp
Classification: Uncertain significance. Last evaluated: 2024-07-03. Review status: criteria provided, single submitter. Criteria: Invitae Variant Classification Sherloc (09022015). Collection method: clinical testing. Allele origin: germline.
Comment: This sequence change replaces proline, which is neutral and non-polar, with leucine, which is neutral and non-polar, at codon 200 of the HTRA1 protein (p.Pro200Leu). This variant is present in population databases (rs773396186, gnomAD 0.006%). This variant has not been reported in the literature in individuals affected with HTRA1-related conditions. ClinVar contains an entry for this variant (Variation ID: 1507098). Advanced modeling of protein sequence and biophysical properties (such as structural, functional, and spatial information, amino acid conservation, physicochemical variation, residue mobility, and thermodynamic stability) performed at Invitae indicates that this missense variant is not expected to disrupt HTRA1 protein function with a negative predictive value of 80%. In summary, the available evidence is currently insufficient to determine the role of this variant in disease. Therefore, it has been classified as a Variant of Uncertain Significance.

NM_002775.5(HTRA1):c.599C>T (p.Pro200Leu)

Gene: HTRA1 (HtrA serine peptidase 1; plus strand). Cytogenetic location: 10q26.13.
Variant type: single nucleotide variant.
Coding change: c.599C>T on transcript NM_002775.5 (MANE Select); coding-DNA position 599, C replaced by T.
Protein change: p.Pro200Leu; replaces proline 200 with leucine.
Molecular consequence: missense variant.
Genome position (GRCh38, 1-based): chr10:122,489,448, C>T. VCF-style: chr10-122489448-C-T. GRCh37 (hg19) VCF-style: chr10-124248964-C-T.
Other names: short protein forms P200L.
Identifiers: ClinVar variation 1507098 (VCV001507098.8), dbSNP rs773396186, ClinGen allele CA5725882.
Genomic context (GRCh38, chr10:122,489,448, plus strand): 5'-TACAGGCTTAAGTGTGTACTCCTTTGGATTTTAGGCTTCCGTTTTCTAAACGAGAGGTGC[C>T]GGTGGCTAGTGGGTCTGGGTTTATTGTGTCGGAAGATGGACTGATCGTGACAAATGCCCA-3'
Protein context (NP_002766.1, residues 190-210): RKLPFSKREV[Pro200Leu]VASGSGFIVS